The following is an entry in ClinVar:

NM_016284.5(CNOT1):c.4604A>C (p.Gln1535Pro)

Gene: CNOT1 (CCR4-NOT transcription complex subunit 1; minus strand). Cytogenetic location: 16q21.
Variant type: single nucleotide variant.
Coding change: c.4604A>C on transcript NM_016284.5 (MANE Select); coding-DNA position 4604, A replaced by C.
Protein change: p.Gln1535Pro; replaces glutamine 1535 with proline.
Molecular consequence: missense variant. On other transcripts: non-coding transcript variant (1).
Genome position (GRCh38, 1-based): chr16:58,542,307, T>G on the plus strand (A>C on the coding strand, the complement: CNOT1 is on the minus strand). VCF-style: chr16-58542307-T-G. GRCh37 (hg19) VCF-style: chr16-58576211-T-G.
Other names: c.4589A>C, p.Gln1530Pro (NM_001265612.2); short protein forms Q1530P, Q1535P.
Identifiers: ClinVar variation 2500511 (VCV002500511.2), dbSNP rs2543891082, ClinGen allele CA396168640.
Genomic context (GRCh38, chr16:58,542,307, plus strand): 5'-TCTGGCATCCGTTCAGCTTGATATGTTAAAACAACAGGATCACAGTATCTGCGTCCTTCT[T>G]GCCTAGCATGTTTTCTCAGCTCAAATTCCTGCAAACAAAAAAAGTCACTGAGGTTCTTGT-3'
Protein context (NP_057368.3, residues 1525-1545): TEFELRKHAR[Gln1535Pro]EGRRYCDPVV

ClinVar aggregate classification (germline): Uncertain significance (1 of 4 stars; one submission).

Submission:

GeneDx
Classification: Uncertain significance. Last evaluated: 2026-08-03. Review status: criteria provided, single submitter. Criteria: GeneDx Variant Classification Process June 2021. Collection method: clinical testing. Allele origin: germline.
Comment: Not observed at significant frequency in large population cohorts (gnomAD); In silico analysis supports that this missense variant has a deleterious effect on protein structure/function; Has not been previously published as pathogenic or benign to our knowledge